The following is an entry in ClinVar:

ClinVar aggregate classification (germline): Uncertain significance. Review status: criteria provided, multiple submitters, no conflicts (2 of 4 stars). 2 submissions from 2 submitters: Uncertain significance (2). Last evaluated 2026-05-06.

gnomAD v4.1: 37 of 1,613,274 alleles (0.0023%); highest among the groups gnomAD compares: African/African-American, 0.004%; no homozygotes.

Submissions (2):

Women's Health and Genetics/Laboratory Corporation of America, LabCorp
Classification: Uncertain significance. Last evaluated: 2026-05-06. Review status: criteria provided, single submitter. Criteria: LabCorp Variant Classification Summary - May 2015. Collection method: clinical testing. Allele origin: germline.
Comment: Variant summary: ITGA2B c.1249C>T (p.Arg417Trp) results in a non-conservative amino acid change in the encoded protein sequence. Algorithms developed to predict the effect of missense changes on protein structure and function are either unavailable or do not agree on the potential impact of this missense change. The variant allele was found at a frequency of 2e-05 in 249584 control chromosomes. The available data on variant occurrences in the general population are insufficient to allow any conclusion about variant significance. To our knowledge, no occurrence of c.1249C>T in individuals affected with ITGA2B-related conditions and no experimental evidence demonstrating its impact on protein function have been reported. No submitters have cited clinical-significance assessments for this variant to ClinVar. Based on the evidence outlined above, the variant was classified as uncertain significance.

Blueprint Genetics
Classification: Uncertain significance. Last evaluated: 2021-12-23. Review status: criteria provided, single submitter. Criteria: ACMG Guidelines, 2015. Collection method: clinical testing. Allele origin: germline.

NM_000419.5(ITGA2B):c.1249C>T (p.Arg417Trp)

Gene: ITGA2B (integrin subunit alpha 2b; minus strand). Cytogenetic location: 17q21.31.
Variant type: single nucleotide variant.
Coding change: c.1249C>T on transcript NM_000419.5 (MANE Select); coding-DNA position 1249, C replaced by T.
Protein change: p.Arg417Trp; replaces arginine 417 with tryptophan.
Molecular consequence: missense variant.
Genome position (GRCh38, 1-based): chr17:44,381,023, G>A on the plus strand (C>T on the coding strand, the complement: ITGA2B is on the minus strand). VCF-style: chr17-44381023-G-A. GRCh37 (hg19) VCF-style: chr17-42458391-G-A.
Other names: short protein forms R417W.
Identifiers: ClinVar variation 4853516 (VCV004853516.2).